The following is an entry in ClinVar:

NM_001039591.3(USP9X):c.172C>T (p.Pro58Ser)

Gene: USP9X (ubiquitin specific peptidase 9 X-linked; plus strand). Cytogenetic location: Xp11.4.
Variant type: single nucleotide variant.
Coding change: c.172C>T on transcript NM_001039591.3 (MANE Select); coding-DNA position 172, C replaced by T.
Protein change: p.Pro58Ser; replaces proline 58 with serine.
Molecular consequence: missense variant.
Genome position (GRCh38, 1-based): chrX:41,129,075, C>T. VCF-style: chrX-41129075-C-T. GRCh37 (hg19) VCF-style: chrX-40988328-C-T.
Other names: p.Pro58Ser; c.172C>T, p.Pro58Ser (NM_001039590.3); short protein forms P58S.
Identifiers: ClinVar variation 1205264 (VCV001205264.4), dbSNP rs1384577833, ClinGen allele CA412760390.

ClinVar aggregate classification (germline): Uncertain significance. Review status: criteria provided, single submitter (1 of 4 stars). 2 submissions from 2 submitters: Uncertain significance (1). 1 of the submissions does not count toward it. Last evaluated 2020-07-30.

Conditions:
Intellectual developmental disorder, X-linked 99. Also called: Intellectual disability, X-linked 99. Identifiers: Orphanet 777, MedGen C3806746, MONDO:0010487, OMIM 300919.

Submissions (2):

GeneDx
Classification: Uncertain significance. Last evaluated: 2020-07-30. Review status: criteria provided, single submitter. Criteria: GeneDx Variant Classification Process June 2021. Collection method: clinical testing. Allele origin: germline. Affected: yes.
Comment: Not observed in large population cohorts (Lek et al., 2016); In silico analysis, which includes protein predictors and evolutionary conservation, supports that this variant does not alter protein structure/function; Has not been previously published as pathogenic or benign to our knowledge

Clinical Genomics Laboratory, Stanford Medicine
Classification: Uncertain significance for Intellectual developmental disorder, X-linked 99. Last evaluated: 2020-09-10. Review status: no assertion criteria provided. Collection method: clinical testing. Allele origin: germline. Inheritance: X-linked inheritance. Affected: yes. Observed: 1 hemizygote. Not counted in ClinVar's aggregate classification.
Comment: The p.Pro58Ser variant in the USP9X gene has not been previously reported in association with disease and is absent from large population databases, including the Genome Aggregation Database. The USP9X gene has fewer missense variants in the general population than expected. A low rate of missense variation may suggest that this gene is intolerant to missense variation. These data were assessed using the ACMG/AMP variant interpretation guidelines. In summary, the significance of the p.Pro58Ser variant is uncertain. Additional information is needed to resolve the significance of this variant. [ACMG evidence codes used: PM2, PP2]